The following is an entry in ClinVar:

NM_005245.4(FAT1):c.3196G>A (p.Asp1066Asn)

Gene: FAT1 (FAT atypical cadherin 1; minus strand). Cytogenetic location: 4q35.2.
Variant type: single nucleotide variant.
Coding change: c.3196G>A on transcript NM_005245.4 (MANE Select); coding-DNA position 3196, G replaced by A.
Protein change: p.Asp1066Asn; replaces aspartic acid 1066 with asparagine.
Molecular consequence: missense variant.
Genome position (GRCh38, 1-based): chr4:186,706,632, C>T on the plus strand (G>A on the coding strand, the complement: FAT1 is on the minus strand). VCF-style: chr4-186706632-C-T. GRCh37 (hg19) VCF-style: chr4-187627786-C-T.
Other names: short protein forms D1066N.
Identifiers: ClinVar variation 1903108 (VCV001903108.7), dbSNP rs775390063, ClinGen allele CA3167088.

ClinVar aggregate classification (germline): Uncertain significance. Review status: criteria provided, multiple submitters, no conflicts (2 of 4 stars). 2 submissions from 2 submitters: Uncertain significance (2). Last evaluated 2025-08-12.

Conditions:
Inborn genetic diseases. Identifiers: MedGen C0950123, MeSH D030342.

Allele frequency attached by ClinVar (database versions not stated): TOPMed 0.00002; ExAC 0.00006; gnomAD 0.00001; gnomAD exomes 0.00001.
gnomAD v4.1: 26 of 1,613,896 alleles (0.0016%); highest among the groups gnomAD compares: Middle Eastern, 0.033%; no homozygotes.

Submissions (2):

Ambry Genetics
Classification: Uncertain significance for Inborn genetic diseases. Last evaluated: 2025-08-12. Review status: criteria provided, single submitter. Criteria: Ambry Variant Classification Scheme 2023. Collection method: clinical testing. Allele origin: germline.

Labcorp Genetics (formerly Invitae), Labcorp
Classification: Uncertain significance. Last evaluated: 2022-08-02. Review status: criteria provided, single submitter. Criteria: Invitae Variant Classification Sherloc (09022015). Collection method: clinical testing. Allele origin: germline.
Comment: In summary, the available evidence is currently insufficient to determine the role of this variant in disease. Therefore, it has been classified as a Variant of Uncertain Significance. Algorithms developed to predict the effect of missense changes on protein structure and function are either unavailable or do not agree on the potential impact of this missense change (SIFT: "Deleterious"; PolyPhen-2: "Probably Damaging"; Align-GVGD: "Class C15"). This variant has not been reported in the literature in individuals affected with FAT1-related conditions. This variant is present in population databases (rs775390063, gnomAD 0.02%). This sequence change replaces aspartic acid, which is acidic and polar, with asparagine, which is neutral and polar, at codon 1066 of the FAT1 protein (p.Asp1066Asn).